The following is an entry in ClinVar:

NM_017986.4(SLC52A1):c.1340G>A (p.Gly447Asp)

Gene: SLC52A1 (solute carrier family 52 member 1; minus strand). Cytogenetic location: 17p13.2.
Variant type: single nucleotide variant.
Coding change: c.1340G>A on transcript NM_017986.4 (MANE Select); coding-DNA position 1340, G replaced by A.
Protein change: p.Gly447Asp; replaces glycine 447 with aspartic acid.
Molecular consequence: missense variant.
Genome position (GRCh38, 1-based): chr17:5,032,964, C>T on the plus strand (G>A on the coding strand, the complement: SLC52A1 is on the minus strand). VCF-style: chr17-5032964-C-T. GRCh37 (hg19) VCF-style: chr17-4936259-C-T.
Other names: c.1340G>A, p.Gly447Asp (NM_001104577.2); short protein forms G447D.
Identifiers: ClinVar variation 1380929 (VCV001380929.8), dbSNP rs768096941, ClinGen allele CA8319565.

ClinVar aggregate classification (germline): Uncertain significance (1 of 4 stars; one submission).

Conditions:
Vitamin B2 deficiency. Identifiers: MedGen C0035528.

Allele frequency attached by ClinVar (database versions not stated): gnomAD exomes below 0.00001; TOPMed below 0.00001; ExAC 0.00001.
gnomAD v4.1: 4 of 1,612,862 alleles (0.00025%); highest among the groups gnomAD compares: Non-Finnish European, 0.00034%; no homozygotes.

Submission:

Labcorp Genetics (formerly Invitae), Labcorp
Classification: Uncertain significance for Vitamin B2 deficiency. Last evaluated: 2023-07-24. Review status: criteria provided, single submitter. Criteria: Invitae Variant Classification Sherloc (09022015). Collection method: clinical testing. Allele origin: germline.
Comment: This variant is present in population databases (rs768096941, gnomAD 0.007%). This variant has not been reported in the literature in individuals affected with SLC52A1-related conditions. ClinVar contains an entry for this variant (Variation ID: 1380929). This sequence change replaces glycine, which is neutral and non-polar, with aspartic acid, which is acidic and polar, at codon 447 of the SLC52A1 protein (p.Gly447Asp). An algorithm developed to predict the effect of missense changes on protein structure and function (PolyPhen-2) suggests that this variant is likely to be tolerated. In summary, the available evidence is currently insufficient to determine the role of this variant in disease. Therefore, it has been classified as a Variant of Uncertain Significance.